The following is an entry in ClinVar:

NM_001170629.2(CHD8):c.5944A>G (p.Thr1982Ala)

Gene: CHD8 (chromodomain helicase DNA binding protein 8; minus strand). Cytogenetic location: 14q11.2.
Variant type: single nucleotide variant.
Coding change: c.5944A>G on transcript NM_001170629.2 (MANE Select); coding-DNA position 5944, A replaced by G.
Protein change: p.Thr1982Ala; replaces threonine 1982 with alanine.
Molecular consequence: missense variant.
Genome position (GRCh38, 1-based): chr14:21,393,851, T>C on the plus strand (A>G on the coding strand, the complement: CHD8 is on the minus strand). VCF-style: chr14-21393851-T-C. GRCh37 (hg19) VCF-style: chr14-21862010-T-C.
Other names: c.5107A>G, p.Thr1703Ala (NM_020920.4); short protein forms T1703A, T1982A.
Identifiers: ClinVar variation 2041134 (VCV002041134.5), dbSNP rs1357365979, ClinGen allele CA388880725.

ClinVar aggregate classification (germline): Conflicting classifications of pathogenicity. Review status: criteria provided, conflicting classifications (1 of 4 stars). 2 submissions from 2 submitters: Uncertain significance (1); Likely benign (1). Last evaluated 2026-08-01.

Allele frequency attached by ClinVar (database versions not stated): gnomAD exomes below 0.00001; TOPMed below 0.00001.
gnomAD v4.1: 1 of 1,613,728 alleles (0.000062%); highest among the groups gnomAD compares: Admixed American, 0.0017%; no homozygotes.

Submissions (2):

CeGaT Center for Human Genetics Tuebingen
Classification: Uncertain significance. Last evaluated: 2026-08-01. Review status: criteria provided, single submitter. Criteria: CeGaT Center For Human Genetics Tuebingen Variant Classification Criteria Version 2. Collection method: clinical testing. Allele origin: germline. Affected: yes. Observed: 1 variant allele.
Comment: CHD8: PM2, BP4

Labcorp Genetics (formerly Invitae), Labcorp
Classification: Likely benign. Last evaluated: 2026-01-05. Review status: criteria provided, single submitter. Criteria: Invitae Variant Classification Sherloc (09022015). Collection method: clinical testing. Allele origin: germline.